The following is an entry in ClinVar:

ClinVar aggregate classification (germline): Uncertain significance (1 of 4 stars; one submission).

Conditions:
Kabuki syndrome. Also called: NIIKAWA-KUROKI SYNDROME; Kabuki make-up syndrome. Identifiers: Orphanet 2322, MedGen C0796004, MONDO:0016512.

Allele frequency attached by ClinVar (database versions not stated): gnomAD exomes below 0.00001; TOPMed below 0.00001.
gnomAD v4.1: 1 of 1,613,036 alleles (0.000062%); highest among the groups gnomAD compares: Non-Finnish European, 0.000085%; no homozygotes.

Submission:

Labcorp Genetics (formerly Invitae), Labcorp
Classification: Uncertain significance for Kabuki syndrome. Last evaluated: 2022-08-20. Review status: criteria provided, single submitter. Criteria: Invitae Variant Classification Sherloc (09022015). Collection method: clinical testing. Allele origin: germline.
Comment: This sequence change replaces valine, which is neutral and non-polar, with isoleucine, which is neutral and non-polar, at codon 1464 of the KMT2D protein (p.Val1464Ile). This variant is not present in population databases (gnomAD no frequency). This variant has not been reported in the literature in individuals affected with KMT2D-related conditions. Advanced modeling of protein sequence and biophysical properties (such as structural, functional, and spatial information, amino acid conservation, physicochemical variation, residue mobility, and thermodynamic stability) performed at Invitae indicates that this missense variant is not expected to disrupt KMT2D protein function. In summary, the available evidence is currently insufficient to determine the role of this variant in disease. Therefore, it has been classified as a Variant of Uncertain Significance.

NM_003482.4(KMT2D):c.4390G>A (p.Val1464Ile)

Gene: KMT2D (lysine methyltransferase 2D; minus strand). Cytogenetic location: 12q13.12.
Variant type: single nucleotide variant.
Coding change: c.4390G>A on transcript NM_003482.4 (MANE Select); coding-DNA position 4390, G replaced by A.
Protein change: p.Val1464Ile; replaces valine 1464 with isoleucine.
Molecular consequence: missense variant.
Genome position (GRCh38, 1-based): chr12:49,046,637, C>T on the plus strand (G>A on the coding strand, the complement: KMT2D is on the minus strand). VCF-style: chr12-49046637-C-T. GRCh37 (hg19) VCF-style: chr12-49440420-C-T.
Other names: short protein forms V1464I.
Identifiers: ClinVar variation 2128458 (VCV002128458.4), dbSNP rs1474346582, ClinGen allele CA384646688.
Genomic context (GRCh38, chr12:49,046,637, plus strand): 5'-CAGGGCTCCACTGAAGATCCCAGTCTCCTTACCACTTGCACTTCCAGCCGCCCTTGGGGA[C>T]GGTGAGCAGTGGGGGGTCCAGGCAGTATGTGTGGTAGCTAATATCACAGTCATCACAGAG-3'
Protein context (NP_003473.3, residues 1454-1474): TYCLDPPLLT[Val1464Ile]PKGGWKCKWC